The following is an entry in ClinVar:

ClinVar aggregate classification (germline): Likely pathogenic (1 of 4 stars; one submission).

Conditions:
Cardiovascular phenotype. Identifiers: MedGen CN230736.

Submission:

Ambry Genetics
Classification: Likely pathogenic for Cardiovascular phenotype. Last evaluated: 2025-07-09. Review status: criteria provided, single submitter. Criteria: Ambry Variant Classification Scheme 2023. Collection method: clinical testing. Allele origin: germline.
Comment: The c.73780delG variant, located in coding exon 185 of the TTN gene, results from a deletion of one nucleotide at nucleotide position 73780, causing a translational frameshift with a predicted alternate stop codon (p.V24594*). This exon is located in the M-band region of the N2-B isoform of the titin protein and is constitutively expressed in TTN transcripts (percent spliced in or PSI 100%). This variant is considered to be rare based on population cohorts in the Genome Aggregation Database (gnomAD). This variant is expected to result in loss of function by premature protein truncation or nonsense-mediated mRNA decay. While truncating variants in TTN are present in 1-3% of the general population, truncating variants in the M-band have been reported in association with autosomal recessive titinopathies, primarily presenting with skeletal myopathy phenotypes (Ceyhan-Birsoy O et al. Neurology. 2013 Oct 1;81(14):1205-14; De Cid R et al. Neurology. 2015;85(24):2126-35). Truncating variants in coding exon 185 of the M-band of the N2-B isoform have also been specifically associated with autosomal dominant dilated cardiomyopathy (Vatta M et al. Circ GenomPrecis Med. 2025 Feb:e004982). More generally, TTN truncating variants encoded in constitutive exons (PSI >90%) have been found to be significantly associated with dilated cardiomyopathy (DCM) regardless of their position, although truncating variants in the A-band are the most common cause of DCM (Herman DS et al. N. Engl. J. Med., 2012 Feb;366:619-28; Roberts AM et al. Sci Transl Med, 2015 Jan;7:270ra6; Schafer S et al. Nat. Genet., 2017 01;49:46-53; Akhtar MM et al. Circ Heart Fail, 2020 Oct;13:e006832; Massier M et al. Clin Genet, 2025 Jan). Based on the majority of available evidence to date, this variant is likely to be pathogenic.

NM_001267550.2(TTN):c.100975del (p.Gly33658_Val33659insTer)

Genes: TTN (titin; minus strand), TTN-AS1 (TTN antisense RNA 1; plus strand). Cytogenetic location: 2q31.2.
Variant type: Deletion.
Coding change: c.100975del on transcript NM_001267550.2 (MANE Select); coding-DNA position 100975, one base deleted (G; older notation c.100975delG).
Protein change: p.Gly33658_Val33659insTer.
Molecular consequence: nonsense.
Genome position (GRCh38, 1-based): chr2:178,535,640, C deleted on the plus strand (G on the coding strand, the reverse complement: TTN is on the minus strand); the first of 4 consecutive C bases (chr2:178,535,640-178,535,643); deleting any one gives the same sequence. VCF-style (leftmost placement, unchanged base first): chr2-178535639-AC-A. GRCh37 (hg19) VCF-style: chr2-179400366-AC-A.
Other names: c.96052del, p.Gly32017_Val32018insTer (NM_001256850.1); c.73780del, p.Gly24593_Val24594insTer (NM_003319.4); c.93271del, p.Gly31090_Val31091insTer (NM_133378.4); c.74155del, p.Gly24718_Val24719insTer (NM_133432.3); c.74356del, p.Gly24785_Val24786insTer (NM_133437.4); c.73780delG (NM_003319.4).
Identifiers: ClinVar variation 4193716 (VCV004193716.1).